The following is an entry in ClinVar:

NM_018943.3(TUBA8):c.1166C>T (p.Ala389Val)

Gene: TUBA8 (tubulin alpha 8; plus strand). Cytogenetic location: 22q11.21.
Variant type: single nucleotide variant.
Coding change: c.1166C>T on transcript NM_018943.3 (MANE Select); coding-DNA position 1166, C replaced by T.
Protein change: p.Ala389Val; replaces alanine 389 with valine.
Molecular consequence: missense variant.
Genome position (GRCh38, 1-based): chr22:18,130,952, C>T. VCF-style: chr22-18130952-C-T. GRCh37 (hg19) VCF-style: chr22-18613719-C-T.
Other names: c.968C>T, p.Ala323Val (NM_001193414.2); short protein forms A389V, A323V.
Identifiers: ClinVar variation 1968222 (VCV001968222.5), dbSNP rs1928487453, ClinGen allele CA410266882.
Genomic context (GRCh38, chr22:18,130,952, plus strand): 5'-CCAAGGTGCAGCGGGCCGTCTGCATGCTCAGCAACACCACGGCCATTGCGGAGGCCTGGG[C>T]CCGCCTCGACCACAAGTTCGACCTCATGTACGCCAAGCGGGCCTTTGTGCATTGGTATGT-3'
Protein context (NP_061816.1, residues 379-399): SNTTAIAEAW[Ala389Val]RLDHKFDLMY

ClinVar aggregate classification (germline): Uncertain significance (1 of 4 stars; one submission).

Allele frequency attached by ClinVar (database versions not stated): TOPMed below 0.00001; gnomAD 0.00001.
gnomAD v4.1: 1 of 1,614,042 alleles (0.000062%); highest among the groups gnomAD compares: Admixed American, 0.0017%; no homozygotes.

Submission:

Labcorp Genetics (formerly Invitae), Labcorp
Classification: Uncertain significance. Last evaluated: 2022-04-11. Review status: criteria provided, single submitter. Criteria: Invitae Variant Classification Sherloc (09022015). Collection method: clinical testing. Allele origin: germline.
Comment: In summary, the available evidence is currently insufficient to determine the role of this variant in disease. Therefore, it has been classified as a Variant of Uncertain Significance. Algorithms developed to predict the effect of missense changes on protein structure and function are either unavailable or do not agree on the potential impact of this missense change (SIFT: "Deleterious"; PolyPhen-2: "Benign"; Align-GVGD: "Class C0"). This variant has not been reported in the literature in individuals affected with TUBA8-related conditions. This variant is not present in population databases (gnomAD no frequency). This sequence change replaces alanine, which is neutral and non-polar, with valine, which is neutral and non-polar, at codon 389 of the TUBA8 protein (p.Ala389Val).